The following is an entry in ClinVar:

NM_001040431.3(COA3):c.287G>C (p.Arg96Pro)

Gene: COA3 (cytochrome c oxidase assembly factor 3; minus strand). Cytogenetic location: 17q21.2.
Variant type: single nucleotide variant.
Coding change: c.287G>C on transcript NM_001040431.3 (MANE Select); coding-DNA position 287, G replaced by C.
Protein change: p.Arg96Pro; replaces arginine 96 with proline.
Molecular consequence: missense variant.
Genome position (GRCh38, 1-based): chr17:42,798,095, C>G on the plus strand (G>C on the coding strand, the complement: COA3 is on the minus strand). VCF-style: chr17-42798095-C-G. GRCh37 (hg19) VCF-style: chr17-40950113-C-G.
Other names: c.287G>C (NM_001040431.1); short protein forms R96P.
Identifiers: ClinVar variation 2182313 (VCV002182313.5), dbSNP rs11546252, ClinGen allele CA8584729.

ClinVar aggregate classification (germline): Uncertain significance. Review status: criteria provided, multiple submitters, no conflicts (2 of 4 stars). 2 submissions from 2 submitters: Uncertain significance (2). Last evaluated 2025-12-17.

Allele frequency attached by ClinVar (database versions not stated): ESP Exome Variant Server 0.00008.

Submissions (2):

Labcorp Genetics (formerly Invitae), Labcorp
Classification: Uncertain significance. Last evaluated: 2025-12-17. Review status: criteria provided, single submitter. Criteria: Invitae Variant Classification Sherloc (09022015). Collection method: clinical testing. Allele origin: germline.
Comment: This sequence change replaces arginine, which is basic and polar, with proline, which is neutral and non-polar, at codon 96 of the COA3 protein (p.Arg96Pro). This variant is present in population databases (rs11546252, gnomAD 0.06%). This variant has not been reported in the literature in individuals affected with COA3-related conditions. ClinVar contains an entry for this variant (Variation ID: 2182313). Experimental studies and prediction algorithms are not available or were not evaluated, and the functional significance of this variant is currently unknown. In summary, the available evidence is currently insufficient to determine the role of this variant in disease. Therefore, it has been classified as a Variant of Uncertain Significance.

Ambry Genetics
Classification: Uncertain significance. Last evaluated: 2024-05-30. Review status: criteria provided, single submitter. Criteria: Ambry Variant Classification Scheme 2023. Collection method: clinical testing. Allele origin: germline.